The following is an entry in ClinVar:

NM_001035.3(RYR2):c.14727T>A (p.Thr4909=)

Gene: RYR2 (ryanodine receptor 2; plus strand). Cytogenetic location: 1q43.
Variant type: single nucleotide variant.
Coding change: c.14727T>A on transcript NM_001035.3 (MANE Select); coding-DNA position 14727, T replaced by A.
Protein change: p.Thr4909=; no amino-acid change (threonine 4909 retained).
Molecular consequence: synonymous variant.
Genome position (GRCh38, 1-based): chr1:237,830,601, T>A. VCF-style: chr1-237830601-T-A. GRCh37 (hg19) VCF-style: chr1-237993901-T-A.
Other names: c.14727T>A (NM_001035.2).
Identifiers: ClinVar variation 922461 (VCV000922461.10), dbSNP rs1663663783, ClinGen allele CA424055373.
Genomic context (GRCh38, chr1:237,830,601, plus strand): 5'-CATCTGTGGGATAGGCAATGATTACTTCGACACAGTGCCACATGGCTTTGAAACCCACAC[T>A]TTACAGGAGCACAACTTGGCTAATTACTTGTGAGTGTGCCCGTTTCAGAATCTTCCACCT-3'
Protein context (NP_001026.2, residues 4899-4919): DTVPHGFETH[Thr4909=]LQEHNLANYL

ClinVar aggregate classification (germline): Likely benign. Review status: criteria provided, multiple submitters, no conflicts (2 of 4 stars). 5 submissions from 5 submitters: Likely benign (5). Last evaluated 2024-09-18.

Conditions:
Cardiovascular phenotype. Identifiers: MedGen CN230736.
Cardiomyopathy (CMYO). Also called: Cardiomyopathies. Identifiers: Orphanet 167848, MedGen C0878544, MONDO:0004994, HP:0001638. Inheritance: Various modes of inheritance.
Catecholaminergic polymorphic ventricular tachycardia (CVPT). Also called: Catecholamine-induced polymorphic ventricular tachycardia. Identifiers: Orphanet 3286, MedGen C5574922, MONDO:0017990.
Catecholaminergic polymorphic ventricular tachycardia 1. Also called: RYR2-Related Catecholaminergic Polymorphic Ventricular Tachycardia; VENTRICULAR TACHYCARDIA, STRESS-INDUCED POLYMORPHIC 1; VENTRICULAR TACHYCARDIA, CATECHOLAMINERGIC POLYMORPHIC, 1, WITH OR WITHOUT ATRIAL DYSFUNCTION AND/OR DILATED CARDIOMYOPATHY. Identifiers: Orphanet 3286, MedGen C1631597, MONDO:0011484, OMIM 604772.

Allele frequency attached by ClinVar (database versions not stated): gnomAD exomes below 0.00001; TOPMed 0.00001.
gnomAD v4.1: 6 of 1,607,622 alleles (0.00037%); highest among the groups gnomAD compares: Non-Finnish European, 0.00051%; no homozygotes.

Submissions (5):

Blueprint Genetics
Classification: Likely benign. Last evaluated: 2024-09-18. Review status: criteria provided, single submitter. Criteria: ACMG Guidelines, 2015. Collection method: clinical testing. Allele origin: germline.

Labcorp Genetics (formerly Invitae), Labcorp
Classification: Likely benign for Catecholaminergic polymorphic ventricular tachycardia 1. Last evaluated: 2023-12-04. Review status: criteria provided, single submitter. Criteria: Invitae Variant Classification Sherloc (09022015). Collection method: clinical testing. Allele origin: germline.

All of Us Research Program, National Institutes of Health
Classification: Likely benign for Catecholaminergic polymorphic ventricular tachycardia. Last evaluated: 2023-03-23. Review status: criteria provided, single submitter. Criteria: ACMG Guidelines, 2015. Collection method: clinical testing. Allele origin: germline. Inheritance: Autosomal dominant inheritance. Observed: 1 variant allele, 1 heterozygote.
Comment: This study involves interpretation of variants in research participants for the purpose of population health screening. Participant phenotype was not available at the time of variant classification. Additional details can be found in publication PMID: 35346344, PMCID: PMC8962531

Ambry Genetics
Classification: Likely benign for Cardiovascular phenotype. Last evaluated: 2022-09-05. Review status: criteria provided, single submitter. Criteria: Ambry Variant Classification Scheme 2023. Collection method: clinical testing. Allele origin: germline.

Color Diagnostics, LLC DBA Color Health
Classification: Likely benign for Cardiomyopathy. Last evaluated: 2019-08-20. Review status: criteria provided, single submitter. Criteria: ACMG Guidelines, 2015. Collection method: clinical testing. Allele origin: germline.